The following is an entry in ClinVar:

ClinVar aggregate classification (germline): Uncertain significance (1 of 4 stars; one submission).

gnomAD v4.1: 1 of 1,210,880 alleles (0.000083%); highest among the groups gnomAD compares: Admixed American, 0.0022%; no homozygotes.

Submission:

Labcorp Genetics (formerly Invitae), Labcorp
Classification: Uncertain significance. Last evaluated: 2025-10-25. Review status: criteria provided, single submitter. Criteria: Invitae Variant Classification Sherloc (09022015). Collection method: clinical testing. Allele origin: germline.
Comment: This sequence change replaces serine, which is neutral and polar, with asparagine, which is neutral and polar, at codon 90 of the DDX3X protein (p.Ser90Asn). This variant is not present in population databases (gnomAD no frequency). This variant has not been reported in the literature in individuals affected with DDX3X-related conditions. Experimental studies and prediction algorithms are not available or were not evaluated, and the functional significance of this variant is currently unknown. In summary, the available evidence is currently insufficient to determine the role of this variant in disease. Therefore, it has been classified as a Variant of Uncertain Significance.

NM_001356.5(DDX3X):c.269G>A (p.Ser90Asn)

Gene: DDX3X (DEAD-box helicase 3 X-linked; plus strand). Cytogenetic location: Xp11.4.
Variant type: single nucleotide variant.
Coding change: c.269G>A on transcript NM_001356.5 (MANE Select); coding-DNA position 269, G replaced by A.
Protein change: p.Ser90Asn; replaces serine 90 with asparagine.
Molecular consequence: missense variant. On other transcripts: 5 prime UTR variant (1), non-coding transcript variant (1).
Genome position (GRCh38, 1-based): chrX:41,341,601, G>A. VCF-style: chrX-41341601-G-A. GRCh37 (hg19) VCF-style: chrX-41200854-G-A.
Other names: c.269G>A, p.Ser90Asn (NM_001193416.3); c.221G>A, p.Ser74Asn (NM_001193417.3); c.-290G>A (NM_001363819.1); short protein forms S74N, S90N.
Identifiers: ClinVar variation 4779038 (VCV004779038.1).